The following is an entry in ClinVar:

ClinVar aggregate classification (germline): Benign/Likely benign. Review status: criteria provided, multiple submitters, no conflicts (2 of 4 stars). 6 submissions from 6 submitters: Benign (3); Likely benign (3). Last evaluated 2026-01-13.

Conditions:
Marfan syndrome (MFS). Also called: Marfan syndrome type 1; Marfan's syndrome; FBN1-Related Marfan Syndrome; MARFAN SYNDROME, TYPE I; Marfan syndrome, classic. Identifiers: Orphanet 284963, Orphanet 558, MedGen C0024796, MONDO:0007947, OMIM 154700.
Familial thoracic aortic aneurysm and aortic dissection (TAAD). Also called: Thoracic aortic aneurysms and dissections. Identifiers: Orphanet 91387, MedGen C4707243, MONDO:0019625.

Allele frequency attached by ClinVar (database versions not stated): 1000 Genomes Project 30x 0.00031; 1000 Genomes Project 0.00040.
gnomAD v4.1: 33 of 1,612,512 alleles (0.002%); highest among the groups gnomAD compares: East Asian, 0.069%; no homozygotes.

Submissions (6):

Labcorp Genetics (formerly Invitae), Labcorp
Classification: Benign for Marfan syndrome; Familial thoracic aortic aneurysm and aortic dissection. Last evaluated: 2026-01-13. Review status: criteria provided, single submitter. Criteria: Invitae Variant Classification Sherloc (09022015). Collection method: clinical testing. Allele origin: germline.

ARUP Laboratories, Molecular Genetics and Genomics, ARUP Laboratories
Classification: Likely benign. Last evaluated: 2025-01-21. Review status: criteria provided, single submitter. Criteria: ARUP Molecular Germline Variant Investigation Process 2024. Collection method: clinical testing. Allele origin: germline.

All of Us Research Program, National Institutes of Health
Classification: Benign for Marfan syndrome. Last evaluated: 2023-12-13. Review status: criteria provided, single submitter. Criteria: ACMG Guidelines, 2015. Collection method: clinical testing. Allele origin: germline. Inheritance: Autosomal dominant inheritance. Observed: 6 variant alleles, 6 heterozygotes.
Comment: This study involves interpretation of variants in research participants for the purpose of population health screening. Participant phenotype was not available at the time of variant classification. Additional details can be found in publication PMID: 35346344, PMCID: PMC8962531

CeGaT Center for Human Genetics Tuebingen
Classification: Likely benign. Last evaluated: 2023-01-01. Review status: criteria provided, single submitter. Criteria: CeGaT Center For Human Genetics Tuebingen Variant Classification Criteria Version 2. Collection method: clinical testing. Allele origin: germline. Affected: yes. Observed: 2 variant alleles.
Comment: FBN1: BS1

Blueprint Genetics
Classification: Likely benign. Last evaluated: 2020-05-08. Review status: criteria provided, single submitter. Criteria: ACMG Guidelines, 2015. Collection method: clinical testing. Allele origin: germline.

Color Diagnostics, LLC DBA Color Health
Classification: Benign for Familial thoracic aortic aneurysm and aortic dissection. Last evaluated: 2018-12-01. Review status: criteria provided, single submitter. Criteria: ACMG Guidelines, 2015. Collection method: clinical testing. Allele origin: germline.

NM_000138.5(FBN1):c.5066-12C>A

Gene: FBN1 (fibrillin 1; minus strand). Cytogenetic location: 15q21.1.
Variant type: single nucleotide variant.
Coding change: c.5066-12C>A on transcript NM_000138.5 (MANE Select); 12 bases into the intron before coding-DNA position 5066, C replaced by A.
Molecular consequence: intron variant.
Genome position (GRCh38, 1-based): chr15:48,463,252, G>T on the plus strand (C>A on the coding strand, the complement: FBN1 is on the minus strand). VCF-style: chr15-48463252-G-T. GRCh37 (hg19) VCF-style: chr15-48755449-G-T.
Identifiers: ClinVar variation 918946 (VCV000918946.40), dbSNP rs531105331, ClinGen allele CA054221.